The following is an entry in ClinVar:

ClinVar aggregate classification (germline): Uncertain significance. Review status: criteria provided, multiple submitters, no conflicts (2 of 4 stars). 2 submissions from 2 submitters: Uncertain significance (2). Last evaluated 2022-05-31.

Conditions:
Cardiovascular phenotype. Identifiers: MedGen CN230736.

Submissions (2):

GeneDx
Classification: Uncertain significance. Last evaluated: 2022-05-31. Review status: criteria provided, single submitter. Criteria: GeneDx Variant Classification Process June 2021. Collection method: clinical testing. Allele origin: germline. Affected: yes.
Comment: Not observed at significant frequency in large population cohorts (gnomAD); Frameshift variant predicted to result in protein truncation or nonsense mediated decay in a gene or region of a gene for which loss of function is not a well-established mechanism of disease; Has not been previously published as pathogenic or benign to our knowledge

Ambry Genetics
Classification: Uncertain significance for Cardiovascular phenotype. Last evaluated: 2022-03-14. Review status: criteria provided, single submitter. Criteria: Ambry Variant Classification Scheme 2023. Collection method: clinical testing. Allele origin: germline.
Comment: The c.3216_3217delGCinsA variant, located in coding exon 21 of the TRPM4 gene, results from the deletion of two nucleotides and insertion of one nucleotide causing a translational frameshift with a predicted alternate stop codon (p.A1074Rfs*49). This alteration is expected to result in premature protein truncation or nonsense-mediated mRNA decay. However, loss of function of TRPM4 has not been clearly established as a mechanism of disease. Since supporting evidence is limited at this time, the clinical significance of this alteration remains unclear.

NM_017636.4(TRPM4):c.3216_3217delinsA (p.Ala1074fs)

Gene: TRPM4 (transient receptor potential cation channel subfamily M member 4; plus strand). Cytogenetic location: 19q13.33.
Variant type: Indel.
Coding change: c.3216_3217delinsA on transcript NM_017636.4 (MANE Select); coding-DNA positions 3216 to 3217, GC replaced by A.
Protein change: p.Ala1074fs; shifts the reading frame from alanine 1074.
Molecular consequence: frameshift variant.
Genome position (GRCh38, 1-based): chr19:49,210,293-49,210,294, GC replaced by A. VCF-style: chr19-49210293-GC-A. GRCh37 (hg19) VCF-style: chr19-49713550-GC-A.
Other names: c.2781_2782delinsA, p.Ala929fs (NM_001195227.2); c.2871_2872delinsA, p.Ala959fs (NM_001321281.2); c.1608_1609delinsA, p.Ala538fs (NM_001321282.2); c.2694_2695delinsA, p.Ala900fs (NM_001321283.2); c.2154_2155delinsA, p.Ala720fs (NM_001321285.2); c.3216_3217delGCinsA (NM_017636.3); short protein forms A720fs, A900fs, A1074fs, A929fs, A959fs, A538fs.
Identifiers: ClinVar variation 1728985 (VCV001728985.3), dbSNP rs2514238637, ClinGen allele CA2580097528.
Genomic context (GRCh38, chr19:49,210,293, plus strand): 5'-CAACAGCGATCTCTACTGGAAGGCGCAGCGTTACCGCCTCATCCGGGAATTCCACTCTCG[GC>A]CCGCGCTGGCCCCGCCCTTTATCGTCATCTCCCACTTGCGCCTCCTGCTCAGGCAATTGT-3'